The following is an entry in ClinVar:

NM_000051.4(ATM):c.5239C>T (p.His1747Tyr)

Gene: ATM (ATM serine/threonine kinase; plus strand). Cytogenetic location: 11q22.3.
Variant type: single nucleotide variant.
Coding change: c.5239C>T on transcript NM_000051.4 (MANE Select); coding-DNA position 5239, C replaced by T.
Protein change: p.His1747Tyr; replaces histidine 1747 with tyrosine.
Molecular consequence: missense variant.
Genome position (GRCh38, 1-based): chr11:108,301,709, C>T. VCF-style: chr11-108301709-C-T. GRCh37 (hg19) VCF-style: chr11-108172436-C-T.
Other names: c.5239C>T, p.His1747Tyr (NM_001351834.2); short protein forms H1747Y.
Identifiers: ClinVar variation 1746270 (VCV001746270.5), dbSNP rs2135913366, ClinGen allele CA382542399.

ClinVar aggregate classification (germline): Uncertain significance. Review status: criteria provided, multiple submitters, no conflicts (2 of 4 stars). 2 submissions from 2 submitters: Uncertain significance (2). Last evaluated 2023-06-28.

Conditions:
Hereditary cancer-predisposing syndrome. Also called: Neoplastic Syndromes, Hereditary; Tumor predisposition; Hereditary Cancer Syndrome; Hereditary neoplastic syndrome. Identifiers: Orphanet 140162, MedGen C0027672, MeSH D009386, MONDO:0015356.
Ataxia-telangiectasia syndrome (AT). Also called: LOUIS-BAR SYNDROME; Cerebello-oculocutaneous telangiectasia; Immunodeficiency with ataxia telangiectasia; Ataxia-telangiectasia, complementation group D; AT, COMPLEMENTATION GROUP C; ATAXIA-TELANGIECTASIA, COMPLEMENTATION GROUP A. Identifiers: Orphanet 100, MedGen C0004135, MONDO:0008840, OMIM 208900.

Allele frequency attached by ClinVar (database versions not stated): gnomAD exomes below 0.00001.
gnomAD v4.1: 1 of 1,613,694 alleles (0.000062%); highest among the groups gnomAD compares: Non-Finnish European, 0.000085%; no homozygotes.

Submissions (2):

Labcorp Genetics (formerly Invitae), Labcorp
Classification: Uncertain significance for Ataxia-telangiectasia syndrome. Last evaluated: 2023-06-28. Review status: criteria provided, single submitter. Criteria: Invitae Variant Classification Sherloc (09022015). Collection method: clinical testing. Allele origin: germline.
Comment: An algorithm developed to predict the effect of missense changes on protein structure and function (PolyPhen-2) suggests that this variant is likely to be tolerated. In summary, the available evidence is currently insufficient to determine the role of this variant in disease. Therefore, it has been classified as a Variant of Uncertain Significance. ClinVar contains an entry for this variant (Variation ID: 1746270). This variant has not been reported in the literature in individuals affected with ATM-related conditions. This variant is not present in population databases (gnomAD no frequency). This sequence change replaces histidine, which is basic and polar, with tyrosine, which is neutral and polar, at codon 1747 of the ATM protein (p.His1747Tyr).

Ambry Genetics
Classification: Uncertain significance for Hereditary cancer-predisposing syndrome. Last evaluated: 2020-04-30. Review status: criteria provided, single submitter. Criteria: Ambry Variant Classification Scheme 2023. Collection method: clinical testing. Allele origin: germline.
Comment: The p.H1747Y variant (also known as c.5239C>T), located in coding exon 34 of the ATM gene, results from a C to T substitution at nucleotide position 5239. The histidine at codon 1747 is replaced by tyrosine, an amino acid with similar properties. This amino acid position is well conserved in available vertebrate species. In addition, this alteration is predicted to be tolerated by in silico analysis. Since supporting evidence is limited at this time, the clinical significance of this alteration remains unclear.